The following is an entry in ClinVar:

NM_000373.4(UMPS):c.19G>C (p.Ala7Pro)

Gene: UMPS (uridine monophosphate synthetase; plus strand). Cytogenetic location: 3q21.2.
Variant type: single nucleotide variant.
Coding change: c.19G>C on transcript NM_000373.4 (MANE Select); coding-DNA position 19, G replaced by C.
Protein change: p.Ala7Pro; replaces alanine 7 with proline.
Molecular consequence: missense variant. On other transcripts: non-coding transcript variant (2).
Genome position (GRCh38, 1-based): chr3:124,730,490, G>C. VCF-style: chr3-124730490-G-C. GRCh37 (hg19) VCF-style: chr3-124449337-G-C.
Other names: short protein forms A7P.
Identifiers: ClinVar variation 3373080 (VCV003373080.1).
Genomic context (GRCh38, chr3:124,730,490, plus strand): 5'-CGGGGCGCCTGGGAATTTGAAGCAAACAGGCAGCGCGCGACAATGGCGGTCGCTCGTGCA[G>C]CTTTGGGGCCATTGGTGACGGGTCTGTACGACGTGCAGGCTTTCAAGTTTGGGGACTTCG-3'
Protein context (NP_000364.1, residues 1-17): MAVARA[Ala7Pro]LGPLVTGLYD

ClinVar aggregate classification (germline): Uncertain significance (1 of 4 stars; one submission).

gnomAD v4.1: 34 of 1,614,084 alleles (0.0021%); highest among the groups gnomAD compares: Non-Finnish European, 0.00034%; no homozygotes.

Submission:

GeneDx
Classification: Uncertain significance. Last evaluated: 2024-04-29. Review status: criteria provided, single submitter. Criteria: GeneDx Variant Classification Process June 2021. Collection method: clinical testing. Allele origin: germline. Affected: yes.
Comment: In silico analysis indicates that this missense variant does not alter protein structure/function; Has not been previously published as pathogenic or benign to our knowledge